The following is an entry in ClinVar:

ClinVar aggregate classification (germline): Benign (1 of 4 stars; one submission).

Conditions:
Deficiency of 2-methylbutyryl-CoA dehydrogenase (ACADSB). Also called: 2-methylbutyryl-CoA dehydrogenase deficiency; SBCAD deficiency; 2-methylbutyric aciduria; Short branched-chain acyl-CoA dehydrogenase deficiency; 2-methylbutyrylglycinuria. Identifiers: Orphanet 79157, MedGen C1864912, MONDO:0012392, OMIM 610006, HP:0020147.

Allele frequency attached by ClinVar (database versions not stated): gnomAD exomes 0.00197; gnomAD 0.01892 and 0.02030; 1000 Genomes Project 0.01937; 1000 Genomes Project 30x 0.01952; TOPMed 0.02147.
gnomAD v4.1: 2,889 of 159,552 alleles (1.8%); highest among the groups gnomAD compares: African/African-American, 6.3%; 91 homozygotes.

Submission:

Illumina Laboratory Services, Illumina
Classification: Benign for Deficiency of 2-methylbutyryl-CoA dehydrogenase. Last evaluated: 2018-01-13. Review status: criteria provided, single submitter. Criteria: ICSL Variant Classification Criteria 13 December 2019. Collection method: clinical testing. Allele origin: germline.
Comment: This variant was observed in the ICSL laboratory as part of a predisposition screen in an ostensibly healthy population. It had not been previously curated by ICSL or reported in the Human Gene Mutation Database (HGMD: prior to June 1st, 2018), and was therefore a candidate for classification through an automated scoring system. Utilizing variant allele frequency, disease prevalence and penetrance estimates, and inheritance mode, an automated score was calculated to assess if this variant is too frequent to cause the disease. Based on the score and internal cut-off values, a variant classified as benign is not then subjected to further curation. The score for this variant resulted in a classification of benign for this disease.

NM_001609.4(ACADSB):c.*497C>T

Gene: ACADSB (acyl-CoA dehydrogenase short/branched chain; plus strand). Cytogenetic location: 10q26.13.
Variant type: single nucleotide variant.
Coding change: c.*497C>T on transcript NM_001609.4 (MANE Select); 497 bases downstream of the stop codon, C replaced by T.
Molecular consequence: 3 prime UTR variant.
Genome position (GRCh38, 1-based): chr10:123,054,262, C>T. VCF-style: chr10-123054262-C-T. GRCh37 (hg19) VCF-style: chr10-124813778-C-T.
Other names: c.*497C>T (NM_001330174.3).
Identifiers: ClinVar variation 299105 (VCV000299105.5), dbSNP rs12248648, ClinGen allele CA10635132.